The following is an entry in ClinVar:

ClinVar aggregate classification (germline): Uncertain significance (1 of 4 stars; one submission).

Allele frequency attached by ClinVar (database versions not stated): gnomAD exomes 0.00002; TOPMed 0.00002; gnomAD 0.00003; ExAC 0.00007.
gnomAD v4.1: 38 of 1,612,234 alleles (0.0024%); highest among the groups gnomAD compares: Middle Eastern, 0.099%; no homozygotes.

Submission:

Labcorp Genetics (formerly Invitae), Labcorp
Classification: Uncertain significance. Last evaluated: 2023-11-03. Review status: criteria provided, single submitter. Criteria: Invitae Variant Classification Sherloc (09022015). Collection method: clinical testing. Allele origin: germline.
Comment: This sequence change replaces proline, which is neutral and non-polar, with serine, which is neutral and polar, at codon 513 of the POC5 protein (p.Pro513Ser). This variant is present in population databases (rs771564291, gnomAD 0.01%). This variant has not been reported in the literature in individuals affected with POC5-related conditions. An algorithm developed to predict the effect of missense changes on protein structure and function (PolyPhen-2) suggests that this variant is likely to be disruptive. In summary, the available evidence is currently insufficient to determine the role of this variant in disease. Therefore, it has been classified as a Variant of Uncertain Significance.

NM_001099271.2(POC5):c.1537C>T (p.Pro513Ser)

Gene: POC5 (POC5 centriolar protein; minus strand). Cytogenetic location: 5q13.3.
Variant type: single nucleotide variant.
Coding change: c.1537C>T on transcript NM_001099271.2 (MANE Select); coding-DNA position 1537, C replaced by T.
Protein change: p.Pro513Ser; replaces proline 513 with serine.
Molecular consequence: missense variant.
Genome position (GRCh38, 1-based): chr5:75,677,821, G>A on the plus strand (C>T on the coding strand, the complement: POC5 is on the minus strand). VCF-style: chr5-75677821-G-A. GRCh37 (hg19) VCF-style: chr5-74973646-G-A.
Other names: c.1462C>T, p.Pro488Ser (NM_152408.3); short protein forms P488S, P513S.
Identifiers: ClinVar variation 2958889 (VCV002958889.3), dbSNP rs771564291, ClinGen allele CA3310294.